The following is an entry in ClinVar:

ClinVar aggregate classification (germline): Uncertain significance (1 of 4 stars; one submission).

Submission:

CeGaT Center for Human Genetics Tuebingen
Classification: Uncertain significance. Last evaluated: 2023-01-01. Review status: criteria provided, single submitter. Criteria: CeGaT Center For Human Genetics Tuebingen Variant Classification Criteria Version 2. Collection method: clinical testing. Allele origin: germline. Affected: yes. Observed: 1 variant allele.
Comment: GATA4: PM2, PP2, PP3

NM_001308093.3(GATA4):c.313T>C (p.Ser105Pro)

Gene: GATA4 (GATA binding protein 4). Cytogenetic location: 8p23.1.
Variant type: single nucleotide variant.
Coding change: c.313T>C on transcript NM_001308093.3 (MANE Select); coding-DNA position 313, T replaced by C.
Protein change: p.Ser105Pro; replaces serine 105 with proline.
Molecular consequence: missense variant. On other transcripts: intron variant (3).
Genome position (GRCh38, 1-based): chr8:11,708,625, T>C. VCF-style: chr8-11708625-T-C. GRCh37 (hg19) VCF-style: chr8-11566134-T-C.
Other names: c.313T>C, p.Ser105Pro (NM_002052.5); c.-6+7847T>C (NM_001308094.2); c.-3+611T>C (NM_001374274.1); c.-3+4321T>C (NM_001374273.1); short protein forms S105P.
Identifiers: ClinVar variation 2658410 (VCV002658410.24), dbSNP rs2486780469, ClinGen allele CA370309368.
Genomic context (GRCh38, chr8:11,708,625, plus strand): 5'-GGCAGCCCGGGATGGAGCCAGGCGGGAGCCGACGGAGCCGCTTACACCCCGCCGCCGGTG[T>C]CGCCGCGCTTCTCCTTCCCGGGGACCACCGGGTCCCTGGCGGCCGCCGCCGCCGCTGCCG-3'
Protein context (NP_001295022.1, residues 95-115): DGAAYTPPPV[Ser105Pro]PRFSFPGTTG